The following is an entry in ClinVar:

NM_025144.4(ALPK1):c.3033T>C (p.His1011=)

Gene: ALPK1 (alpha kinase 1; plus strand). Cytogenetic location: 4q25.
Variant type: single nucleotide variant.
Coding change: c.3033T>C on transcript NM_025144.4 (MANE Select); coding-DNA position 3033, T replaced by C.
Protein change: p.His1011=; no amino-acid change (histidine 1011 retained).
Molecular consequence: synonymous variant.
Genome position (GRCh38, 1-based): chr4:112,432,580, T>C. VCF-style: chr4-112432580-T-C. GRCh37 (hg19) VCF-style: chr4-113353736-T-C.
Other names: c.3033T>C, p.His1011= (NM_001102406.2); c.2799T>C, p.His933= (NM_001253884.2).
Identifiers: ClinVar variation 2879995 (VCV002879995.3), dbSNP rs375986335, ClinGen allele CA3047049.
Genomic context (GRCh38, chr4:112,432,580, plus strand): 5'-GCTGTTTCAGAGACTAGAGAATACGGGGGTTTTTAAGCCCAGTCAACTCCACCGAGCACA[T>C]AGTAAGTACAATCTTTTCAATAGTTCCCCCCTCAGGAAGCAGCTGTGTTGGGGCACTCTG-3'
Protein context (NP_079420.3, residues 1001-1021): VFKPSQLHRA[His1011=]SALLLKYSKK

ClinVar aggregate classification (germline): Uncertain significance (1 of 4 stars; one submission).

Allele frequency attached by ClinVar (database versions not stated): gnomAD exomes below 0.00001; TOPMed below 0.00001; ExAC 0.00001; ESP Exome Variant Server 0.00008.

Submission:

Labcorp Genetics (formerly Invitae), Labcorp
Classification: Uncertain significance. Last evaluated: 2024-01-04. Review status: criteria provided, single submitter. Criteria: Invitae Variant Classification Sherloc (09022015). Collection method: clinical testing. Allele origin: germline.
Comment: This sequence change affects codon 1011 of the ALPK1 mRNA. It is a 'silent' change, meaning that it does not change the encoded amino acid sequence of the ALPK1 protein. It affects a nucleotide within the consensus splice site. This variant is present in population databases (rs375986335, gnomAD 0.002%). This variant has not been reported in the literature in individuals affected with ALPK1-related conditions. Algorithms developed to predict the effect of sequence changes on RNA splicing suggest that this variant is not likely to affect RNA splicing. In summary, the available evidence is currently insufficient to determine the role of this variant in disease. Therefore, it has been classified as a Variant of Uncertain Significance.